The following is an entry in ClinVar:

NM_006766.5(KAT6A):c.2241C>A (p.Ile747=)

Gene: KAT6A (lysine acetyltransferase 6A; minus strand). Cytogenetic location: 8p11.21.
Variant type: single nucleotide variant.
Coding change: c.2241C>A on transcript NM_006766.5 (MANE Select); coding-DNA position 2241, C replaced by A.
Protein change: p.Ile747=; no amino-acid change (isoleucine 747 retained).
Molecular consequence: synonymous variant.
Genome position (GRCh38, 1-based): chr8:41,942,988, G>T on the plus strand (C>A on the coding strand, the complement: KAT6A is on the minus strand). VCF-style: chr8-41942988-G-T. GRCh37 (hg19) VCF-style: chr8-41800506-G-T.
Other names: c.2241C>A, p.Ile747= (NM_001305878.2).
Identifiers: ClinVar variation 1321530 (VCV001321530.9), dbSNP rs747658625, ClinGen allele CA4729940.
Genomic context (GRCh38, chr8:41,942,988, plus strand): 5'-TACAGGTCGCAAATTCAGCTGAAGCTTTGCCATGTGATCCTGGATAAGTTTTTCCCGGCG[G>T]ATAATCACAAATCTGGAACCAGAGAAAAGTTTATAGCAATCAACAATGTACAAGGTGTAC-3'
Protein context (NP_006757.2, residues 737-757): LDFRSDQFVI[Ile747=]RREKLIQDHM

ClinVar aggregate classification (germline): Benign/Likely benign. Review status: criteria provided, multiple submitters, no conflicts (2 of 4 stars). 3 submissions from 3 submitters: Benign (1); Likely benign (2). Last evaluated 2026-07-01.

Allele frequency attached by ClinVar (database versions not stated): ExAC 0.00001; gnomAD 0.00002 and 0.00003; gnomAD exomes 0.00005; TOPMed 0.00007.
gnomAD v4.1: 73 of 1,613,896 alleles (0.0045%); highest among the groups gnomAD compares: Admixed American, 0.018%; no homozygotes.

Submissions (3):

CeGaT Center for Human Genetics Tuebingen
Classification: Likely benign. Last evaluated: 2026-07-01. Review status: criteria provided, single submitter. Criteria: CeGaT Center For Human Genetics Tuebingen Variant Classification Criteria Version 2. Collection method: clinical testing. Allele origin: germline. Affected: yes. Observed: 1 variant allele.
Comment: KAT6A: BP4, BP7

Labcorp Genetics (formerly Invitae), Labcorp
Classification: Benign. Last evaluated: 2025-10-01. Review status: criteria provided, single submitter. Criteria: Invitae Variant Classification Sherloc (09022015). Collection method: clinical testing. Allele origin: germline.

GeneDx
Classification: Likely benign. Last evaluated: 2021-05-05. Review status: criteria provided, single submitter. Criteria: GeneDx Variant Classification Process June 2021. Collection method: clinical testing. Allele origin: germline. Affected: yes.